The following is an entry in ClinVar:

NM_001271.4(CHD2):c.5288G>T (p.Arg1763Leu)

Gene: CHD2 (chromodomain helicase DNA binding protein 2; plus strand). Cytogenetic location: 15q26.1.
Variant type: single nucleotide variant.
Coding change: c.5288G>T on transcript NM_001271.4 (MANE Select); coding-DNA position 5288, G replaced by T.
Protein change: p.Arg1763Leu; replaces arginine 1763 with leucine.
Molecular consequence: missense variant.
Genome position (GRCh38, 1-based): chr15:93,024,506, G>T. VCF-style: chr15-93024506-G-T. GRCh37 (hg19) VCF-style: chr15-93567736-G-T.
Other names: short protein forms R1763L.
Identifiers: ClinVar variation 2777058 (VCV002777058.3), dbSNP rs746146204, ClinGen allele CA7748716.

ClinVar aggregate classification (germline): Uncertain significance (1 of 4 stars; one submission).

Conditions:
Developmental and epileptic encephalopathy 94 (DEE94). Also called: CHD2-Related Neurodevelopmental Disorders; Epileptic encephalopathy, childhood-onset. Identifiers: Orphanet 1942, Orphanet 2382, MedGen C3809278, MONDO:0014150, OMIM 615369.

Allele frequency attached by ClinVar (database versions not stated): ExAC 0.00001; gnomAD 0.00001.
gnomAD v4.1: 3 of 1,614,012 alleles (0.00019%); highest among the groups gnomAD compares: African/African-American, 0.0013%; no homozygotes.

Submission:

Labcorp Genetics (formerly Invitae), Labcorp
Classification: Uncertain significance for Developmental and epileptic encephalopathy 94. Last evaluated: 2023-03-08. Review status: criteria provided, single submitter. Criteria: Invitae Variant Classification Sherloc (09022015). Collection method: clinical testing. Allele origin: germline.
Comment: This variant is present in population databases (rs746146204, gnomAD 0.0009%). In summary, the available evidence is currently insufficient to determine the role of this variant in disease. Therefore, it has been classified as a Variant of Uncertain Significance. Advanced modeling of protein sequence and biophysical properties (such as structural, functional, and spatial information, amino acid conservation, physicochemical variation, residue mobility, and thermodynamic stability) performed at Invitae indicates that this missense variant is not expected to disrupt CHD2 protein function. This variant has not been reported in the literature in individuals affected with CHD2-related conditions. This sequence change replaces arginine, which is basic and polar, with leucine, which is neutral and non-polar, at codon 1763 of the CHD2 protein (p.Arg1763Leu).